The following is an entry in ClinVar:

NM_001029896.2(WDR45):c.516+1del

Gene: WDR45 (WD repeat domain 45; minus strand). Cytogenetic location: Xp11.23.
Variant type: Deletion.
Coding change: c.516+1del on transcript NM_001029896.2 (MANE Select); the canonical splice donor site of the intron after coding-DNA position 516, one base deleted (G; older notation c.516+1delG).
Molecular consequence: splice donor variant.
Genome position (GRCh38, 1-based): chrX:49,075,865, C deleted on the plus strand (G on the coding strand, the reverse complement: WDR45 is on the minus strand); the first of 2 consecutive C bases (chrX:49,075,865-49,075,866); deleting either gives the same sequence. VCF-style (leftmost placement, unchanged base first): chrX-49075864-AC-A. GRCh37 (hg19) VCF-style: chrX-48933523-AC-A.
Other names: c.519+1del (NM_007075.4).
Identifiers: ClinVar variation 2818200 (VCV002818200.3), dbSNP rs2520262076, ClinGen allele CA2739273495.
Genomic context (GRCh38, chrX:49,075,864, plus strand): 5'-CCAAGAGTCCACAAGGAAGCCAGTCCACCAACCTACCCACCCTTGTCCACTGGACGGCTC[AC>A]CACAAGTTGCAGACTCCCACACTTGTGTCCCGGGAACACTAGCAGTTGCTTCTCCAGGCT-3'

ClinVar aggregate classification (germline): Pathogenic (1 of 4 stars; one submission).

Conditions:
Neurodegeneration with brain iron accumulation 5 (NBIA5). Also called: Beta-propeller protein-associated neurodegeneration; STATIC ENCEPHALOPATHY OF CHILDHOOD WITH NEURODEGENERATION IN ADULTHOOD. Identifiers: Orphanet 329284, MedGen C3550973, MONDO:0010476, OMIM 300894.

Submission:

Labcorp Genetics (formerly Invitae), Labcorp
Classification: Pathogenic for Neurodegeneration with brain iron accumulation 5. Last evaluated: 2022-12-03. Review status: criteria provided, single submitter. Criteria: Invitae Variant Classification Sherloc (09022015). Collection method: clinical testing. Allele origin: germline.
Comment: For these reasons, this variant has been classified as Pathogenic. Algorithms developed to predict the effect of sequence changes on RNA splicing suggest that this variant may disrupt the consensus splice site. This variant is also known as c.519+1del. This variant has not been reported in the literature in individuals affected with WDR45-related conditions. This variant is not present in population databases (gnomAD no frequency). This sequence change creates a premature translational stop signal (p.Asp174Thrfs*23) in the WDR45 gene. It is expected to result in an absent or disrupted protein product. Loss-of-function variants in WDR45 are known to be pathogenic (PMID: 23176820, 24368176, 24621584, 25744623, 26790960, 27030146, 27652284, 28554332).

Literature cited by the submitters: PubMed 23176820; PubMed 24368176; PubMed 24621584; PubMed 25744623; PubMed 26790960; PubMed 27030146; PubMed 27652284; PubMed 28554332.